The following is an entry in ClinVar:

NM_015041.3(CLUAP1):c.1232A>G (p.Asn411Ser)

Gene: CLUAP1 (clusterin associated protein 1; plus strand). Cytogenetic location: 16p13.3.
Variant type: single nucleotide variant.
Coding change: c.1232A>G on transcript NM_015041.3 (MANE Select); coding-DNA position 1232, A replaced by G.
Protein change: p.Asn411Ser; replaces asparagine 411 with serine.
Molecular consequence: missense variant.
Genome position (GRCh38, 1-based): chr16:3,536,261, A>G. VCF-style: chr16-3536261-A-G. GRCh37 (hg19) VCF-style: chr16-3586261-A-G.
Other names: c.1289A>G, p.Asn430Ser (NM_001330454.2); c.734A>G, p.Asn245Ser (NM_024793.3); short protein forms N245S, N430S, N411S.
Identifiers: ClinVar variation 850153 (VCV000850153.8), dbSNP rs140382761, ClinGen allele CA7864073.

ClinVar aggregate classification (germline): Uncertain significance (1 of 4 stars; one submission).

Allele frequency attached by ClinVar (database versions not stated): gnomAD exomes 0.00022 and 0.00040; ESP Exome Variant Server 0.00023; ExAC 0.00026; gnomAD 0.00038 and 0.00040; TOPMed 0.00054; 1000 Genomes Project 30x 0.00078; 1000 Genomes Project 0.00080.
gnomAD v4.1: 391 of 1,614,106 alleles (0.024%); highest among the groups gnomAD compares: Admixed American, 0.19%; 2 homozygotes.

Submission:

Labcorp Genetics (formerly Invitae), Labcorp
Classification: Uncertain significance. Last evaluated: 2025-12-30. Review status: criteria provided, single submitter. Criteria: Invitae Variant Classification Sherloc (09022015). Collection method: clinical testing. Allele origin: germline.
Comment: This sequence change replaces asparagine, which is neutral and polar, with serine, which is neutral and polar, at codon 411 of the CLUAP1 protein (p.Asn411Ser). This variant is present in population databases (rs140382761, gnomAD 0.2%), and has an allele count higher than expected for a pathogenic variant. This variant has not been reported in the literature in individuals affected with CLUAP1-related conditions. ClinVar contains an entry for this variant (Variation ID: 850153). Invitae Evidence Modeling of protein sequence and biophysical properties (such as structural, functional, and spatial information, amino acid conservation, physicochemical variation, residue mobility, and thermodynamic stability) indicates that this missense variant is not expected to disrupt CLUAP1 protein function with a negative predictive value of 80%. In summary, the available evidence is currently insufficient to determine the role of this variant in disease. Therefore, it has been classified as a Variant of Uncertain Significance.